The following is an entry in ClinVar:

ClinVar aggregate classification (germline): Uncertain significance (1 of 4 stars; one submission).

Allele frequency attached by ClinVar (database versions not stated): TOPMed below 0.00001; gnomAD exomes 0.00001.

Submission:

Labcorp Genetics (formerly Invitae), Labcorp
Classification: Uncertain significance. Last evaluated: 2022-09-06. Review status: criteria provided, single submitter. Criteria: Invitae Variant Classification Sherloc (09022015). Collection method: clinical testing. Allele origin: germline.
Comment: This sequence change replaces leucine, which is neutral and non-polar, with phenylalanine, which is neutral and non-polar, at codon 128 of the HMX1 protein (p.Leu128Phe). The frequency data for this variant in the population databases is considered unreliable, as metrics indicate poor data quality at this position in the gnomAD database. This variant has not been reported in the literature in individuals affected with HMX1-related conditions. ClinVar contains an entry for this variant (Variation ID: 1352453). Algorithms developed to predict the effect of missense changes on protein structure and function (SIFT, PolyPhen-2, Align-GVGD) all suggest that this variant is likely to be tolerated. In summary, the available evidence is currently insufficient to determine the role of this variant in disease. Therefore, it has been classified as a Variant of Uncertain Significance.

NM_018942.3(HMX1):c.382C>T (p.Leu128Phe)

Gene: HMX1 (H6 family homeobox 1; minus strand). Cytogenetic location: 4p16.1.
Variant type: single nucleotide variant.
Coding change: c.382C>T on transcript NM_018942.3 (MANE Select); coding-DNA position 382, C replaced by T.
Protein change: p.Leu128Phe; replaces leucine 128 with phenylalanine.
Molecular consequence: missense variant.
Genome position (GRCh38, 1-based): chr4:8,871,233, G>A on the plus strand (C>T on the coding strand, the complement: HMX1 is on the minus strand). VCF-style: chr4-8871233-G-A. GRCh37 (hg19) VCF-style: chr4-8872959-G-A.
Other names: c.382C>T, p.Leu128Phe (NM_001306142.2); short protein forms L128F.
Identifiers: ClinVar variation 1352453 (VCV001352453.6), dbSNP rs1341699439, ClinGen allele CA356278747.
Genomic context (GRCh38, chr4:8,871,233, plus strand): 5'-GAAGTCGGGCCCCACCGCCTGACCCACCCTCCCCGCGCCCTCACTCACTGTCAGGACTGA[G>A]GCCGCCTCCATAGCCACCGTGCGCCCGTGGGTACCAGCGCGCTGCGCCTCCGCAGCCCAG-3'
Protein context (NP_061815.2, residues 118-138): PRAHGGYGGG[Leu128Phe]SPDTSDRDSP